The following is an entry in ClinVar:

NM_000091.5(COL4A3):c.1372G>A (p.Gly458Arg)

Genes: MFF-DT (MFF divergent transcript; minus strand), COL4A3 (collagen type IV alpha 3 chain; plus strand). Cytogenetic location: 2q36.3.
Variant type: single nucleotide variant.
Coding change: c.1372G>A on transcript NM_000091.5 (MANE Select); coding-DNA position 1372, G replaced by A.
Protein change: p.Gly458Arg; replaces glycine 458 with arginine.
Molecular consequence: missense variant.
Genome position (GRCh38, 1-based): chr2:227,266,473, G>A. VCF-style: chr2-227266473-G-A. GRCh37 (hg19) VCF-style: chr2-228131189-G-A.
Other names: p.Gly458Arg; short protein forms G458R.
Identifiers: ClinVar variation 1355638 (VCV001355638.10), dbSNP rs757341933, ClinGen allele CA350870152.
Genomic context (GRCh38, chr2:227,266,473, plus strand): 5'-ATAGGTGACATCGTTTTTCGCAAGGGTCCACCTGGAGATCACGGACTGCCAGGCTATCTA[G>A]GGTCTCCAGGAATCCCAGGAGTTGATGGGCCCAAAGGTTGGTTCAATCAATAATGTTGTA-3'
Protein context (NP_000082.2, residues 448-468): PGDHGLPGYL[Gly458Arg]SPGIPGVDGP

ClinVar aggregate classification (germline): Pathogenic/Likely pathogenic. Review status: criteria provided, multiple submitters, no conflicts (2 of 4 stars). 3 submissions from 3 submitters: Pathogenic (1); Likely pathogenic (2). Last evaluated 2026-01-03.

Conditions:
Autosomal dominant Alport syndrome (ATS3A). Also called: Alport syndrome dominant type; Renal failure and sensorineural hearing loss; ALPORT SYNDROME 3A, AUTOSOMAL DOMINANT. Identifiers: Orphanet 63, Orphanet 88918, MedGen C5882663, MONDO:0007086, OMIM 104200.
Alport syndrome 3b, autosomal recessive. Identifiers: MedGen C5882699, MONDO:0957811, OMIM 620536.
Hematuria, benign familial, 2 (BFH2). Identifiers: MedGen C5830421, MONDO:0958186, OMIM 620320.

Allele frequency attached by ClinVar (database versions not stated): gnomAD 0.00001.
gnomAD v4.1: 1 of 1,613,934 alleles (0.000062%); highest among the groups gnomAD compares: Non-Finnish European, 0.000085%; no homozygotes.

Submissions (3):

Labcorp Genetics (formerly Invitae), Labcorp
Classification: Pathogenic. Last evaluated: 2026-01-03. Review status: criteria provided, single submitter. Criteria: Invitae Variant Classification Sherloc (09022015). Collection method: clinical testing. Allele origin: germline.
Comment: This sequence change replaces glycine, which is neutral and non-polar, with arginine, which is basic and polar, at codon 458 of the COL4A3 protein (p.Gly458Arg). This variant is not present in population databases (gnomAD no frequency). A different variant (c.1372G>C) giving rise to the same protein effect has been determined to be pathogenic (internal data). This suggests that this variant is also likely to be causative of disease. ClinVar contains an entry for this variant (Variation ID: 1355638). Invitae Evidence Modeling of protein sequence and biophysical properties (such as structural, functional, and spatial information, amino acid conservation, physicochemical variation, residue mobility, and thermodynamic stability) has been performed for this missense variant. However, the output from this modeling did not meet the statistical confidence thresholds required to predict the impact of this variant on COL4A3 protein function. This variant disrupts the p.Gly458 amino acid residue in COL4A3. Other variant(s) that disrupt this residue have been determined to be pathogenic (internal data). This suggests that this residue is clinically significant, and that variants that disrupt this residue are likely to be disease-causing. For these reasons, this variant has been classified as Pathogenic.

Fulgent Genetics
Classification: Likely pathogenic for Autosomal dominant Alport syndrome; Hematuria, benign familial, 2; Alport syndrome 3b, autosomal recessive. Last evaluated: 2024-02-14. Review status: criteria provided, single submitter. Criteria: ACMG Guidelines, 2015. Collection method: clinical testing. Allele origin: germline.

Mayo Clinic Laboratories, Mayo Clinic
Classification: Likely pathogenic. Last evaluated: 2024-02-02. Review status: criteria provided, single submitter. Criteria: ACMG Guidelines, 2015. Collection method: clinical testing. Allele origin: germline.
Comment: PP3, PM1_strong, PM2, PS4_supporting